The following is an entry in ClinVar:

ClinVar aggregate classification (germline): Benign/Likely benign. Review status: criteria provided, multiple submitters, no conflicts (2 of 4 stars). 2 submissions from 2 submitters: Benign (1); Likely benign (1). Last evaluated 2026-08-20.

Conditions:
PHIP-related disorder. Also called: PHIP-related disorders; PHIP-related condition.

Submissions (2):

PreventionGenetics, part of Exact Sciences
Classification: Likely benign for PHIP-related condition. Last evaluated: 2026-08-20. Review status: criteria provided, single submitter. Criteria: ACMG Guidelines, 2015. Collection method: clinical testing. Allele origin: germline.
Comment: This variant is classified as likely benign based on ACMG/AMP sequence variant interpretation guidelines (Richards et al. 2015 PMID: 25741868, with internal and published modifications).

Labcorp Genetics (formerly Invitae), Labcorp
Classification: Benign. Last evaluated: 2025-10-17. Review status: criteria provided, single submitter. Criteria: Invitae Variant Classification Sherloc (09022015). Collection method: clinical testing. Allele origin: germline.

NM_017934.7(PHIP):c.3916AGA[2] (p.Arg1308del)

Genes: IRAK1BP1 (interleukin 1 receptor associated kinase 1 binding protein 1; plus strand), PHIP (PHIP subunit of CUL4-Ring ligase complex; minus strand). Cytogenetic location: 6q14.1.
Variant type: Microsatellite.
Coding change: c.3916AGA[2] on transcript NM_017934.7 (MANE Select); two copies in a row of the 3-base unit AGA starting at c.3916; the reference has three copies in a row; one copy, 3 bases deleted.
Protein change: p.Arg1308del; deletes arginine 1308.
Molecular consequence: inframe deletion.
Genome position (GRCh38, 1-based): chr6:78,954,943-78,954,945, TCT deleted on the plus strand (AGA on the coding strand, the reverse complement: PHIP is on the minus strand); deleting any 3 consecutive bases within chr6:78,954,943-78,954,951 gives the same sequence; the position shown is the placement nearest the transcript's 3' end. VCF-style (leftmost placement, unchanged base first): chr6-78954942-ATCT-A. GRCh37 (hg19) VCF-style: chr6-79664659-ATCT-A.
Other names: c.3922_3924delAGA (NM_017934.6); short protein forms R1308del.
Identifiers: ClinVar variation 2055182 (VCV002055182.8), dbSNP rs769841308, ClinGen allele CA3899554.